The following is an entry in ClinVar:

ClinVar aggregate classification (germline): Uncertain significance. Review status: criteria provided, multiple submitters, no conflicts (2 of 4 stars). 2 submissions from 2 submitters: Uncertain significance (2). Last evaluated 2024-04-09.

gnomAD v4.1: 5 of 1,549,976 alleles (0.00032%); highest among the groups gnomAD compares: Non-Finnish European, 0.00044%; no homozygotes.

Submissions (2):

Revvity Omics, Revvity
Classification: Uncertain significance. Last evaluated: 2024-04-09. Review status: criteria provided, single submitter. Criteria: ACMG Guidelines, 2015. Collection method: clinical testing. Allele origin: germline.

Labcorp Genetics (formerly Invitae), Labcorp
Classification: Uncertain significance. Last evaluated: 2024-02-25. Review status: criteria provided, single submitter. Criteria: Invitae Variant Classification Sherloc (09022015). Collection method: clinical testing. Allele origin: germline.
Comment: This sequence change replaces proline, which is neutral and non-polar, with leucine, which is neutral and non-polar, at codon 1711 of the PIEZO1 protein (p.Pro1711Leu). This variant is not present in population databases (gnomAD no frequency). This variant has not been reported in the literature in individuals affected with PIEZO1-related conditions. Advanced modeling of protein sequence and biophysical properties (such as structural, functional, and spatial information, amino acid conservation, physicochemical variation, residue mobility, and thermodynamic stability) performed at Invitae indicates that this missense variant is expected to disrupt PIEZO1 protein function with a positive predictive value of 80%. In summary, the available evidence is currently insufficient to determine the role of this variant in disease. Therefore, it has been classified as a Variant of Uncertain Significance.

NM_001142864.4(PIEZO1):c.5132C>T (p.Pro1711Leu)

Gene: PIEZO1 (piezo type mechanosensitive ion channel component 1 (Er blood group); minus strand). Cytogenetic location: 16q24.3.
Variant type: single nucleotide variant.
Coding change: c.5132C>T on transcript NM_001142864.4 (MANE Select); coding-DNA position 5132, C replaced by T.
Protein change: p.Pro1711Leu; replaces proline 1711 with leucine.
Molecular consequence: missense variant.
Genome position (GRCh38, 1-based): chr16:88,721,890, G>A on the plus strand (C>T on the coding strand, the complement: PIEZO1 is on the minus strand). VCF-style: chr16-88721890-G-A. GRCh37 (hg19) VCF-style: chr16-88788298-G-A.
Other names: short protein forms P1711L.
Identifiers: ClinVar variation 3688031 (VCV003688031.3).